The following is an entry in ClinVar:

NM_001379500.1(COL18A1):c.1733C>T (p.Ala578Val)

Gene: COL18A1 (collagen type XVIII alpha 1 chain; plus strand). Cytogenetic location: 21q22.3.
Variant type: single nucleotide variant.
Coding change: c.1733C>T on transcript NM_001379500.1 (MANE Select); coding-DNA position 1733, C replaced by T.
Protein change: p.Ala578Val; replaces alanine 578 with valine.
Molecular consequence: missense variant.
Genome position (GRCh38, 1-based): chr21:45,486,892, C>T. VCF-style: chr21-45486892-C-T. GRCh37 (hg19) VCF-style: chr21-46906806-C-T.
Other names: c.2273C>T, p.Ala758Val (NM_030582.4); c.2978C>T, p.Ala993Val (NM_130444.3); short protein forms A993V, A578V, A758V.
Identifiers: ClinVar variation 2096737 (VCV002096737.4), dbSNP rs2517658231, ClinGen allele CA410496212.
Genomic context (GRCh38, chr21:45,486,892, plus strand): 5'-TCCTGACACGCTCTCCTCACCCCACGCAGGGGAGCAAGGGAGCCCCCGGTCCTGCTGGTG[C>T]TCGTGGGGAGAGCGGCCTGGCAGGAGCCCCCGGACCTGCTGGACCACCAGGCCCCCCTGG-3'
Protein context (NP_001366429.1, residues 568-588): GSKGAPGPAG[Ala578Val]RGESGLAGAP

ClinVar aggregate classification (germline): Uncertain significance (1 of 4 stars; one submission).

Submission:

Labcorp Genetics (formerly Invitae), Labcorp
Classification: Uncertain significance. Last evaluated: 2022-07-12. Review status: criteria provided, single submitter. Criteria: Invitae Variant Classification Sherloc (09022015). Collection method: clinical testing. Allele origin: germline.
Comment: This variant is not present in population databases (gnomAD no frequency). This sequence change replaces alanine, which is neutral and non-polar, with valine, which is neutral and non-polar, at codon 578 of the COL18A1 protein (p.Ala578Val). This variant has not been reported in the literature in individuals affected with COL18A1-related conditions. In summary, the available evidence is currently insufficient to determine the role of this variant in disease. Therefore, it has been classified as a Variant of Uncertain Significance. Experimental studies and prediction algorithms are not available or were not evaluated, and the functional significance of this variant is currently unknown.